The following is an entry in ClinVar:

ClinVar aggregate classification (germline): Uncertain significance. Review status: criteria provided, multiple submitters, no conflicts (2 of 4 stars). 2 submissions from 2 submitters: Uncertain significance (2). Last evaluated 2022-07-19.

Conditions:
Progressive myoclonic epilepsy type 8. Identifiers: Orphanet 424027, MedGen C5190825, MONDO:0014545, OMIM 616230.

Allele frequency attached by ClinVar (database versions not stated): gnomAD exomes 0.00002 and 0.00003; gnomAD 0.00004; TOPMed 0.00004; ExAC 0.00007.
gnomAD v4.1: 31 of 1,610,068 alleles (0.0019%); highest among the groups gnomAD compares: Admixed American, 0.0034%; no homozygotes.

Submissions (2):

Labcorp Genetics (formerly Invitae), Labcorp
Classification: Uncertain significance for Progressive myoclonic epilepsy type 8. Last evaluated: 2022-07-19. Review status: criteria provided, single submitter. Criteria: Invitae Variant Classification Sherloc (09022015). Collection method: clinical testing. Allele origin: germline.
Comment: This sequence change replaces threonine, which is neutral and polar, with methionine, which is neutral and non-polar, at codon 274 of the CERS1 protein (p.Thr274Met). This variant is present in population databases (rs769809173, gnomAD 0.006%). This variant has not been reported in the literature in individuals affected with CERS1-related conditions. ClinVar contains an entry for this variant (Variation ID: 1036463). Algorithms developed to predict the effect of missense changes on protein structure and function are either unavailable or do not agree on the potential impact of this missense change (SIFT: "Tolerated"; PolyPhen-2: "Possibly Damaging"; Align-GVGD: "Class C0"). In summary, the available evidence is currently insufficient to determine the role of this variant in disease. Therefore, it has been classified as a Variant of Uncertain Significance.

Ambry Genetics
Classification: Uncertain significance. Last evaluated: 2021-06-18. Review status: criteria provided, single submitter. Criteria: Ambry Variant Classification Scheme 2023. Collection method: clinical testing. Allele origin: germline.

NM_021267.5(CERS1):c.821C>T (p.Thr274Met)

Genes: CERS1 (ceramide synthase 1; minus strand), GDF1 (growth differentiation factor 1; minus strand). Cytogenetic location: 19p13.11.
Variant type: single nucleotide variant.
Coding change: c.821C>T on transcript NM_021267.5 (MANE Select); coding-DNA position 821, C replaced by T.
Protein change: p.Thr274Met; replaces threonine 274 with methionine.
Molecular consequence: missense variant. On other transcripts: 5 prime UTR variant (1), intron variant (1).
Genome position (GRCh38, 1-based): chr19:18,879,320, G>A on the plus strand (C>T on the coding strand, the complement: CERS1 is on the minus strand). VCF-style: chr19-18879320-G-A. GRCh37 (hg19) VCF-style: chr19-18990129-G-A.
Other names: c.527C>T, p.Thr176Met (NM_001290265.2, NM_001387442.1, NM_001387443.1 and 2 more transcripts); c.821C>T, p.Thr274Met (NM_001387439.1, NM_001387440.1, NM_198207.3); c.776C>T, p.Thr259Met (NM_001387441.1); c.-502C>T (NM_001492.6); c.-313+4767C>T (NM_001387438.1); short protein forms T259M, T274M, T176M.
Identifiers: ClinVar variation 1036463 (VCV001036463.4), dbSNP rs769809173, ClinGen allele CA9318144.